The following is an entry in ClinVar:

NM_000094.4(COL7A1):c.7078G>A (p.Gly2360Arg)

Gene: COL7A1 (collagen type VII alpha 1 chain; minus strand). Cytogenetic location: 3p21.31.
Variant type: single nucleotide variant.
Coding change: c.7078G>A on transcript NM_000094.4 (MANE Select); coding-DNA position 7078, G replaced by A.
Protein change: p.Gly2360Arg; replaces glycine 2360 with arginine.
Molecular consequence: missense variant.
Genome position (GRCh38, 1-based): chr3:48,571,269, C>T on the plus strand (G>A on the coding strand, the complement: COL7A1 is on the minus strand). VCF-style: chr3-48571269-C-T. GRCh37 (hg19) VCF-style: chr3-48608702-C-T.
Other names: short protein forms G2360R.
Identifiers: ClinVar variation 372348 (VCV000372348.13), dbSNP rs916512411, ClinGen allele CA16042511.

ClinVar aggregate classification (germline): Pathogenic/Likely pathogenic. Review status: criteria provided, multiple submitters, no conflicts (2 of 4 stars). 5 submissions from 5 submitters: Pathogenic (4); Likely pathogenic (1). Last evaluated 2025-11-03.

Conditions:
Dominant dystrophic epidermolysis bullosa with absence of skin. Also called: EPIDERMOLYSIS BULLOSA DYSTROPHICA, BART TYPE; EPIDERMOLYSIS BULLOSA WITH CONGENITAL LOCALIZED ABSENCE OF SKIN AND DEFORMITY OF NAILS. Identifiers: MedGen C0268371, MONDO:0007557, OMIM 132000.
Transient bullous dermolysis of the newborn (TBDN). Also called: DYSTROPHIC EPIDERMOLYSIS BULLOSA, NEONATAL; EPIDERMOLYSIS BULLOSA DYSTROPHICA, NEONATAL FORM. Identifiers: Orphanet 79411, MedGen C1851573, MONDO:0007548, OMIM 131705.
Pretibial dystrophic epidermolysis bullosa. Also called: Pretibial blistering; Pretibial epidermolysis bullosa; EPIDERMOLYSIS BULLOSA DYSTROPHICA, PRETIBIAL. Identifiers: Orphanet 79410, MedGen C0432321, MONDO:0007552, OMIM 131850, HP:0012221.
Recessive dystrophic epidermolysis bullosa (RDEB). Also called: DYSTROPHIC EPIDERMOLYSIS BULLOSA, AUTOSOMAL RECESSIVE; EPIDERMOLYSIS BULLOSA DYSTROPHICA, HALLOPEAU-SIEMENS TYPE; Hallopeau-Siemens Disease; EPIDERMOLYSIS BULLOSA DYSTROPHICA, GENERALIZED SEVERE, AUTOSOMAL RECESSIVE; epidermolysis bullosa dystrophica, autosomal recessive; severe generalized recessive dystrophic epidermolysis bullosa. Identifiers: Orphanet 79408, Orphanet 79409, MedGen C0079474, MONDO:0009179, OMIM 226600.
Epidermolysis bullosa pruriginosa. Also called: DEB, PRURIGINOSA; DYSTROPHIC EPIDERMOLYSIS BULLOSA PRURIGINOSA. Identifiers: Orphanet 89843, MedGen C1275114, MONDO:0011398, OMIM 604129.
Nonsyndromic congenital nail disorder 8. Also called: TOENAIL DYSTROPHY, ISOLATED. Identifiers: MedGen C1843761, MONDO:0011852, OMIM 607523.
Generalized dominant dystrophic epidermolysis bullosa (DDEB). Also called: DDEB, generalized; DDEB-gen; DYSTROPHIC EPIDERMOLYSIS BULLOSA, AUTOSOMAL DOMINANT; Epidermolysis bullosa dystrophica, autosomal dominant; Dominant DEB (DDEB). Identifiers: Orphanet 231568, MedGen C0432322, MONDO:0007549, OMIM 131750.
Epidermolysis bullosa dystrophica. Also called: Dystrophic epidermolysis bullosa, Hallopeau-Siemens type (formerly); Dystrophic epidermolysis bullosa. Identifiers: Orphanet 303, MedGen C0079294, MONDO:0006543.

Allele frequency attached by ClinVar (database versions not stated): gnomAD exomes below 0.00001 and 0.00001; gnomAD 0.00001; TOPMed 0.00001.
gnomAD v4.1: 14 of 1,614,028 alleles (0.00087%); highest among the groups gnomAD compares: African/African-American, 0.0013%; no homozygotes.

Submissions (5):

Natera, Inc.
Classification: Pathogenic for Dystrophic epidermolysis bullosa. Last evaluated: 2025-11-03. Review status: criteria provided, single submitter. Criteria: Natera Variant Classification Schema (03/2026). Collection method: clinical testing. Allele origin: germline.
Comment: The c.7078G>A variant in COL7A1 is a missense variant predicted to cause substitution of glycine to arginine at amino acid 2360. This variant is rare in the general population with a frequency below the threshold expected for the associated phenotype(s). This variant has been observed in one or more individuals affected with the associated recessive disease, as either homozygous or compound heterozygous with a second variant (PMID: 38368142, 31001817). Computational prediction algorithms indicate this variant is likely to affect gene or protein function. Given the available evidence, this variant is classified as Pathogenic.

Dasa
Classification: Likely pathogenic. Last evaluated: 2025-10-13. Review status: criteria provided, single submitter. Criteria: DASA Assertion Criteria. Collection method: clinical testing. Allele origin: germline.
Comment: NM_000094.4(COL7A1):c.7078G>A (p.Gly2360Arg) is a missense variant that results in the substitution of glycine with arginine. The affected residue or protein region has prior evidence supporting clinical relevance. Segregation data support an association with disease in the reported family/families (PMID: 32383240; PMID: 31001817). This variant has been recurrently observed in individuals with COL7A1-related disorders (PMID: 32383240; PMID: 31001817). Also, this variant is rare in population databases. Computational evidence supports a deleterious effect. Based on the currently available evidence, this variant is classified as likely pathogenic.

Fulgent Genetics
Classification: Pathogenic for Transient bullous dermolysis of the newborn; Generalized dominant dystrophic epidermolysis bullosa; Pretibial dystrophic epidermolysis bullosa; Dominant dystrophic epidermolysis bullosa with absence of skin; Recessive dystrophic epidermolysis bullosa; Epidermolysis bullosa pruriginosa; Nonsyndromic congenital nail disorder 8. Last evaluated: 2024-06-13. Review status: criteria provided, single submitter. Criteria: ACMG Guidelines, 2015. Collection method: clinical testing. Allele origin: germline.

Labcorp Genetics (formerly Invitae), Labcorp
Classification: Pathogenic. Last evaluated: 2022-10-28. Review status: criteria provided, single submitter. Criteria: Invitae Variant Classification Sherloc (09022015). Collection method: clinical testing. Allele origin: germline.
Comment: This sequence change replaces glycine, which is neutral and non-polar, with arginine, which is basic and polar, at codon 2360 of the COL7A1 protein (p.Gly2360Arg). This variant is present in population databases (no rsID available, gnomAD 0.0009%). This missense change has been observed in individuals with autosomal dominant and autosomal recessive epidermolysis bullosa dystrophica (PMID: 21448560, 31001817). ClinVar contains an entry for this variant (Variation ID: 372348). Advanced modeling of protein sequence and biophysical properties (such as structural, functional, and spatial information, amino acid conservation, physicochemical variation, residue mobility, and thermodynamic stability) performed at Invitae indicates that this missense variant is expected to disrupt COL7A1 protein function. This variant disrupts the triple helix domain of COL7A1. Glycine residues within the Gly-Xaa-Yaa repeats of the triple helix domain are required for the structure and stability of fibrillar collagens (PMID: 7695699, 8218237, 19344236), and variants at these glycine residues in COL7A1 are more frequently observed in individuals with disease than in the general population (PMID: 22058051). However, the clinical significance of this observation remains uncertain since only a limited number of affected individuals have been described to date. This variant disrupts the p.Gly2360 amino acid residue in COL7A1. Other variant(s) that disrupt this residue have been observed in individuals with COL7A1-related conditions (PMID: 16971478), which suggests that this may be a clinically significant amino acid residue. For these reasons, this variant has been classified as Pathogenic.

GeneDx
Classification: Pathogenic. Last evaluated: 2022-07-15. Review status: criteria provided, single submitter. Criteria: GeneDx Variant Classification Process June 2021. Collection method: clinical testing. Allele origin: germline. Affected: yes.
Comment: Located in the highly conserved Gly-X-Y repeat of the collagenous domain; Glycine substitution variants in this region of the COLVII protein destabilize the collagen triple helix resulting in skin fragility due to poor anchoring of the basement membrane to the underlying dermis (Pfendner and Lucky, 2018); Not observed at a significant frequency in large population cohorts (gnomAD); In silico analysis, which includes protein predictors and evolutionary conservation, supports a deleterious effect; This variant is associated with the following publications: (PMID: 31001817, 25897114, 21448560, 25525159)

Literature cited by the submitters: PubMed 38368142 (cited by Natera, Inc.); PubMed 31001817 (cited by 3 submitters); PubMed 32383240 (cited by Dasa); PubMed 21448560 (cited by Labcorp Genetics (formerly Invitae), Labcorp); PubMed 7695699 (cited by Labcorp Genetics (formerly Invitae), Labcorp); PubMed 8218237 (cited by Labcorp Genetics (formerly Invitae), Labcorp); PubMed 19344236 (cited by Labcorp Genetics (formerly Invitae), Labcorp); PubMed 22058051 (cited by Labcorp Genetics (formerly Invitae), Labcorp); PubMed 16971478 (cited by Labcorp Genetics (formerly Invitae), Labcorp).